The following is an entry in ClinVar:

ClinVar aggregate classification (germline): Conflicting classifications of pathogenicity. Review status: criteria provided, conflicting classifications (1 of 4 stars). 4 submissions from 4 submitters: Uncertain significance (1); Likely benign (3). Last evaluated 2025-12-09.

Conditions:
MARS1-related disorder. Also called: MARS1-related condition.
Severe early-onset pulmonary alveolar proteinosis due to MARS deficiency. Also called: PULMONARY ALVEOLAR PROTEINOSIS, REUNION ISLAND; Interstitial lung and liver disease. Identifiers: Orphanet 440427, MedGen C4225400, MONDO:0014206, OMIM 615486.
Charcot-Marie-Tooth disease axonal type 2U. Also called: CHARCOT-MARIE-TOOTH NEUROPATHY, TYPE 2U; CHARCOT-MARIE-TOOTH DISEASE, AXONAL, AUTOSOMAL DOMINANT, TYPE 2U. Identifiers: Orphanet 397735, MedGen C4084821, MONDO:0014566, OMIM 616280.

Allele frequency attached by ClinVar (database versions not stated): TOPMed 0.00003; gnomAD 0.00004 and 0.00005; ExAC 0.00007; gnomAD exomes 0.00009 and 0.00011.
gnomAD v4.1: 165 of 1,614,182 alleles (0.01%); highest among the groups gnomAD compares: East Asian, 0.033%; no homozygotes.

Submissions (4):

Labcorp Genetics (formerly Invitae), Labcorp
Classification: Likely benign for Charcot-Marie-Tooth disease axonal type 2U; Severe early-onset pulmonary alveolar proteinosis due to MARS deficiency. Last evaluated: 2025-12-09. Review status: criteria provided, single submitter. Criteria: Invitae Variant Classification Sherloc (09022015). Collection method: clinical testing. Allele origin: germline.

PreventionGenetics, part of Exact Sciences
Classification: Likely benign for MARS1-related condition. Last evaluated: 2025-08-19. Review status: criteria provided, single submitter. Criteria: ACMG Guidelines, 2015. Collection method: clinical testing. Allele origin: germline.
Comment: This variant is classified as likely benign based on ACMG/AMP sequence variant interpretation guidelines (Richards et al. 2015 PMID: 25741868, with internal and published modifications).

Women's Health and Genetics/Laboratory Corporation of America, LabCorp
Classification: Uncertain significance. Last evaluated: 2025-07-30. Review status: criteria provided, single submitter. Criteria: LabCorp Variant Classification Summary - May 2015. Collection method: clinical testing. Allele origin: germline.
Comment: Variant summary: MARS1 c.1908G>A alters a conserved nucleotide resulting in a synonymous change. Several computational tools predict a significant impact on normal splicing: Three predict the variant creates a cryptic 3' acceptor site. However, these predictions have yet to be confirmed by functional studies. The variant allele was found at a frequency of 0.0001 in 1614182 control chromosomes. This frequency is not significantly higher than estimated for a pathogenic variant in MARS1 causing Severe early-onset pulmonary alveolar proteinosis due to MARS deficiency (0.0001 vs 0.0011), allowing no conclusion about variant significance. To our knowledge, no occurrence of c.1908G>A in individuals affected with Severe early-onset pulmonary alveolar proteinosis due to MARS deficiency and no experimental evidence demonstrating its impact on protein function have been reported. ClinVar contains an entry for this variant (Variation ID: 623812). Based on the evidence outlined above, the variant was classified as uncertain significance.

CeGaT Center for Human Genetics Tuebingen
Classification: Likely benign. Last evaluated: 2025-03-01. Review status: criteria provided, single submitter. Criteria: CeGaT Center For Human Genetics Tuebingen Variant Classification Criteria Version 2. Collection method: clinical testing. Allele origin: germline. Affected: yes. Observed: 2 variant alleles.
Comment: MARS1: BP4, BP7

NM_004990.4(MARS1):c.1908G>A (p.Thr636=)

Gene: MARS1 (methionyl-tRNA synthetase 1; plus strand). Cytogenetic location: 12q13.3.
Variant type: single nucleotide variant.
Coding change: c.1908G>A on transcript NM_004990.4 (MANE Select); coding-DNA position 1908, G replaced by A.
Protein change: p.Thr636=; no amino-acid change (threonine 636 retained).
Molecular consequence: synonymous variant.
Genome position (GRCh38, 1-based): chr12:57,512,905, G>A. VCF-style: chr12-57512905-G-A. GRCh37 (hg19) VCF-style: chr12-57906688-G-A.
Other names: c.1908G>A (NM_004990.3).
Identifiers: ClinVar variation 623812 (VCV000623812.49), dbSNP rs529046133, ClinGen allele CA6650647.